The following is an entry in ClinVar:

ClinVar aggregate classification (germline): Pathogenic. Review status: criteria provided, multiple submitters, no conflicts (2 of 4 stars). 4 submissions from 4 submitters: Pathogenic (4). Last evaluated 2025-11-03.

Conditions:
Autosomal recessive severe congenital neutropenia due to G6PC3 deficiency. Also called: G6PC3 Deficiency; NEUTROPENIA, SEVERE CONGENITAL, 4, AUTOSOMAL RECESSIVE. Identifiers: Orphanet 331176, MedGen C2751630, MONDO:0012930, OMIM 612541.

Allele frequency attached by ClinVar (database versions not stated): gnomAD 0.00003; ESP Exome Variant Server 0.00016; gnomAD exomes 0.00002; TOPMed 0.00003; ExAC 0.00002.

Submissions (4):

3billion
Classification: Pathogenic for Autosomal recessive severe congenital neutropenia due to G6PC3 deficiency. Last evaluated: 2025-11-03. Review status: criteria provided, single submitter. Criteria: ACMG Guidelines, 2015. Collection method: clinical testing. Allele origin: germline. Affected: yes.
Comment: The variant is observed at an extremely low frequency in the gnomAD v4.1.0 dataset (total allele frequency: 0.002%). Predicted Consequence/Location: Frameshift: predicted to result in a loss or disruption of normal protein function through protein truncation. The predicted truncated protein may be shortened by more than 10%. The variant has been reported at least twice as pathogenic with clinical assertions and evidence for the classification (ClinVar ID: VCV001342134 /PMID: 21285905 /3billion dataset). Therefore, this variant is classified as Pathogenic according to the recommendation of ACMG/AMP guideline.

Labcorp Genetics (formerly Invitae), Labcorp
Classification: Pathogenic for Autosomal recessive severe congenital neutropenia due to G6PC3 deficiency. Last evaluated: 2025-11-03. Review status: criteria provided, single submitter. Criteria: Invitae Variant Classification Sherloc (09022015). Collection method: clinical testing. Allele origin: germline.
Comment: This sequence change is expected to alter the c-terminus of the G6PC3 protein (p.Ala257Cysfs*129). While this is not anticipated to result in nonsense mediated decay, it is expected to disrupt the last 90 amino acid(s) of the G6PC3 protein and extend the protein by 38 additional amino acid residues. This variant is present in population databases (rs748931188, gnomAD 0.008%). This frameshift has been observed in individuals with clinical features of syndromic congenital neutropenia (PMID: 21285905, 24549407, 25284454). This variant is also known as c.765delAG, p.S255fs. ClinVar contains an entry for this variant (Variation ID: 1342134). For these reasons, this variant has been classified as Pathogenic.

Genetic Services Laboratory, University of Chicago
Classification: Pathogenic. Last evaluated: 2022-01-25. Review status: criteria provided, single submitter. Criteria: ACMG Guidelines, 2015. Collection method: clinical testing. Allele origin: germline.

Breakthrough Genomics
Classification: Pathogenic for Autosomal recessive severe congenital neutropenia due to G6PC3 deficiency. Last evaluated: 2020-10-09. Review status: criteria provided, single submitter. Criteria: ACMG Guidelines, 2015. Collection method: clinical testing. Allele origin: germline. Affected: yes.
Comment: This variant was previously reported in patients with Dursun syndrome and severe congenital neutropenia in homozygous state [PMID: 24549407, 25284454]. In addition, several other truncating variants lying downstream of the variant, have been previously reported as ‘pathogenic’ in the ClinVar database context of inherited immunodeficiency diseases and autosomal recessive severe congenital neutropenia 4.

Literature cited by the submitters: PubMed 21285905 (cited by 3billion and Labcorp Genetics (formerly Invitae), Labcorp); PubMed 24549407 (cited by Labcorp Genetics (formerly Invitae), Labcorp); PubMed 25284454 (cited by Labcorp Genetics (formerly Invitae), Labcorp).

NM_138387.4(G6PC3):c.765_766del (p.Ala257fs)

Gene: G6PC3 (glucose-6-phosphatase catalytic subunit 3; plus strand). Cytogenetic location: 17q21.31.
Variant type: Deletion.
Coding change: c.765_766del on transcript NM_138387.4 (MANE Select); coding-DNA positions 765 to 766, 2 bases deleted (AG; older notation c.765_766delAG).
Protein change: p.Ala257fs; shifts the reading frame from alanine 257.
Molecular consequence: frameshift variant. On other transcripts: 3 prime UTR variant (1).
Genome position (GRCh38, 1-based): chr17:44,075,767-44,075,768, AG deleted. VCF-style (leftmost placement, unchanged base first): chr17-44075766-CAG-C. GRCh37 (hg19) VCF-style: chr17-42153134-CAG-C.
Other names: p.Ala257CysfsTer129; c.765_766delAG (NM_138387.3); c.*58_*59del (NM_001319945.2); c.420_421del, p.Ala142fs (NM_001384165.1, NM_001384166.1, NM_001384167.1 and 1 more transcripts); short protein forms A142fs, A257fs.
Identifiers: ClinVar variation 1342134 (VCV001342134.14), dbSNP rs748931188, ClinGen allele CA8596144.